The following is an entry in ClinVar:

ClinVar aggregate classification (germline): Uncertain significance (1 of 4 stars; one submission).

Allele frequency attached by ClinVar (database versions not stated): TOPMed 0.00003; gnomAD exomes 0.00001; ExAC 0.00003; gnomAD 0.00003.
gnomAD v4.1: 23 of 1,613,856 alleles (0.0014%); highest among the groups gnomAD compares: Admixed American, 0.0083%; no homozygotes.

Submission:

Labcorp Genetics (formerly Invitae), Labcorp
Classification: Uncertain significance. Last evaluated: 2025-04-08. Review status: criteria provided, single submitter. Criteria: Invitae Variant Classification Sherloc (09022015). Collection method: clinical testing. Allele origin: germline.
Comment: This sequence change falls in intron 23 of the ROBO2 gene. It does not directly change the encoded amino acid sequence of the ROBO2 protein. It affects a nucleotide within the consensus splice site. This variant is present in population databases (rs747198589, gnomAD 0.01%). This variant has not been reported in the literature in individuals affected with ROBO2-related conditions. ClinVar contains an entry for this variant (Variation ID: 3014953). Variants that disrupt the consensus splice site are a relatively common cause of aberrant splicing (PMID: 17576681, 9536098). Algorithms developed to predict the effect of sequence changes on RNA splicing suggest that this variant is not likely to affect RNA splicing. In summary, the available evidence is currently insufficient to determine the role of this variant in disease. Therefore, it has been classified as a Variant of Uncertain Significance.

Literature cited by the submitters: PubMed 17576681; PubMed 9536098.

NM_001395656.1(ROBO2):c.3772+3A>G

Gene: ROBO2 (roundabout guidance receptor 2; plus strand). Cytogenetic location: 3p12.3.
Variant type: single nucleotide variant.
Coding change: c.3772+3A>G on transcript NM_001395656.1 (MANE Select); 3 bases into the intron after coding-DNA position 3772, A replaced by G.
Molecular consequence: intron variant.
Genome position (GRCh38, 1-based): chr3:77,622,435, A>G. VCF-style: chr3-77622435-A-G. GRCh37 (hg19) VCF-style: chr3-77671586-A-G.
Other names: c.3946+3A>G (NM_001378191.1, NM_001378195.1, NM_001378196.1); c.3820+3A>G (NM_001378190.1, NM_001378200.1, NM_001378201.1 and 1 more transcripts); c.3808+3A>G (NM_001128929.3); c.3967+3A>G (NM_001394213.1); c.3841+3A>G (NM_001378192.1, NM_001378198.1, NM_001378199.1); c.3958+3A>G (NM_001378194.1); c.3955+3A>G (NM_001394212.1, NM_001395657.1); c.3829+3A>G (NM_001394214.1); and 5 more.
Identifiers: ClinVar variation 3014953 (VCV003014953.3), dbSNP rs747198589, ClinGen allele CA2497726.